The following is an entry in ClinVar:

ClinVar aggregate classification (germline): Uncertain significance (0 of 4 stars; one submission).

Conditions:
ERBIN-related disorder. Also called: ERBIN-related condition.

gnomAD v4.1: 7 of 1,608,054 alleles (0.00044%); highest among the groups gnomAD compares: Non-Finnish European, 0.00059%; no homozygotes.

Submission:

PreventionGenetics, part of Exact Sciences
Classification: Uncertain significance for ERBIN-related condition. Last evaluated: 2024-08-07. Review status: no assertion criteria provided. Collection method: clinical testing. Allele origin: germline.
Comment: The ERBIN c.1861A>G variant is predicted to result in the amino acid substitution p.Ile621Val. To our knowledge, this variant has not been reported in the literature. This variant is reported in 0.00089% of alleles in individuals of European (Non-Finnish) descent in gnomAD. At this time, the clinical significance of this variant is uncertain due to the absence of conclusive functional and genetic evidence.

NM_001253697.2(ERBIN):c.1861A>G (p.Ile621Val)

Gene: ERBIN (erbb2 interacting protein; plus strand). Cytogenetic location: 5q12.3.
Variant type: single nucleotide variant.
Coding change: c.1861A>G on transcript NM_001253697.2 (MANE Select); coding-DNA position 1861, A replaced by G.
Protein change: p.Ile621Val; replaces isoleucine 621 with valine.
Molecular consequence: missense variant.
Genome position (GRCh38, 1-based): chr5:66,048,739, A>G. VCF-style: chr5-66048739-A-G. GRCh37 (hg19) VCF-style: chr5-65344567-A-G.
Other names: c.1861A>G, p.Ile621Val (NM_001006600.3, NM_001253698.2, NM_001253699.2 and 1 more transcripts); c.1849A>G, p.Ile617Val (NM_001253701.2); short protein forms I617V, I621V.
Identifiers: ClinVar variation 3354983 (VCV003354983.1).